The following is an entry in ClinVar:

NM_001429.4(EP300):c.6448C>A (p.Pro2150Thr)

Gene: EP300 (EP300 lysine acetyltransferase; plus strand). Cytogenetic location: 22q13.2.
Variant type: single nucleotide variant.
Coding change: c.6448C>A on transcript NM_001429.4 (MANE Select); coding-DNA position 6448, C replaced by A.
Protein change: p.Pro2150Thr; replaces proline 2150 with threonine.
Molecular consequence: missense variant.
Genome position (GRCh38, 1-based): chr22:41,178,159, C>A. VCF-style: chr22-41178159-C-A. GRCh37 (hg19) VCF-style: chr22-41574163-C-A.
Other names: c.6370C>A, p.Pro2124Thr (NM_001362843.2); short protein forms P2150T, P2124T.
Identifiers: ClinVar variation 2015181 (VCV002015181.4), dbSNP rs2145520770, ClinGen allele CA411681985.

ClinVar aggregate classification (germline): Uncertain significance (1 of 4 stars; one submission).

Conditions:
Rubinstein-Taybi syndrome due to EP300 haploinsufficiency. Also called: EP300-Related Rubinstein-Taybi Syndrome; RUBINSTEIN-TAYBI SYNDROME 2. Identifiers: Orphanet 353284, Orphanet 783, MedGen C3150941, MONDO:0013364, OMIM 613684.

Submission:

Labcorp Genetics (formerly Invitae), Labcorp
Classification: Uncertain significance for Rubinstein-Taybi syndrome due to EP300 haploinsufficiency. Last evaluated: 2024-10-16. Review status: criteria provided, single submitter. Criteria: Invitae Variant Classification Sherloc (09022015). Collection method: clinical testing. Allele origin: germline.
Comment: This sequence change replaces proline, which is neutral and non-polar, with threonine, which is neutral and polar, at codon 2150 of the EP300 protein (p.Pro2150Thr). This variant is not present in population databases (gnomAD no frequency). This variant has not been reported in the literature in individuals affected with EP300-related conditions. ClinVar contains an entry for this variant (Variation ID: 2015181). Invitae Evidence Modeling of protein sequence and biophysical properties (such as structural, functional, and spatial information, amino acid conservation, physicochemical variation, residue mobility, and thermodynamic stability) indicates that this missense variant is not expected to disrupt EP300 protein function with a negative predictive value of 80%. In summary, the available evidence is currently insufficient to determine the role of this variant in disease. Therefore, it has been classified as a Variant of Uncertain Significance.